The following is an entry in ClinVar:

NM_031308.4(EPPK1):c.3677C>T (p.Thr1226Met)

Gene: EPPK1 (epiplakin 1; minus strand). Cytogenetic location: 8q24.3.
Variant type: single nucleotide variant.
Coding change: c.3677C>T on transcript NM_031308.4 (MANE Select); coding-DNA position 3677, C replaced by T.
Protein change: p.Thr1226Met; replaces threonine 1226 with methionine.
Molecular consequence: missense variant.
Genome position (GRCh38, 1-based): chr8:143,869,577, G>A on the plus strand (C>T on the coding strand, the complement: EPPK1 is on the minus strand). VCF-style: chr8-143869577-G-A. GRCh37 (hg19) VCF-style: chr8-144943745-G-A.
Other names: c.3677C>T (NM_031308.1); short protein forms T1226M.
Identifiers: ClinVar variation 3041368 (VCV003041368.3), dbSNP rs199619001, ClinGen allele CA4922722.

ClinVar aggregate classification (germline): Uncertain significance. Review status: criteria provided, single submitter (1 of 4 stars). 2 submissions from 2 submitters: Uncertain significance (1). 1 of the submissions does not count toward it. Last evaluated 2025-08-30.

Conditions:
EPPK1-related disorder. Also called: EPPK1-related condition.

Allele frequency attached by ClinVar (database versions not stated): gnomAD exomes 0.00010; ExAC 0.00057; ESP Exome Variant Server 0.00058; gnomAD 0.00068; TOPMed 0.00076; 1000 Genomes Project 0.00120; 1000 Genomes Project 30x 0.00187.

Submissions (2):

Ambry Genetics
Classification: Uncertain significance. Last evaluated: 2025-08-30. Review status: criteria provided, single submitter. Criteria: Ambry Variant Classification Scheme 2023. Collection method: clinical testing. Allele origin: germline.

PreventionGenetics, part of Exact Sciences
Classification: Likely benign for EPPK1-related condition. Last evaluated: 2021-07-15. Review status: no assertion criteria provided. Collection method: clinical testing. Allele origin: germline. Not counted in ClinVar's aggregate classification.
Comment: This variant is classified as likely benign based on ACMG/AMP sequence variant interpretation guidelines (Richards et al. 2015 PMID: 25741868, with internal and published modifications).